The following is an entry in ClinVar:

ClinVar aggregate classification (germline): Uncertain significance. Review status: criteria provided, multiple submitters, no conflicts (2 of 4 stars). 4 submissions from 4 submitters: Uncertain significance (3). 1 of the submissions does not count toward it. Last evaluated 2026-07-30.

Conditions:
Pyruvate dehydrogenase E1-beta deficiency (PDHBD). Identifiers: Orphanet 255138, Orphanet 765, MedGen C3279841, MONDO:0013580, OMIM 614111.
Inborn genetic diseases. Identifiers: MedGen C0950123, MeSH D030342.
Pyruvate dehydrogenase complex deficiency (PDHC). Also called: Pyruvate dehydrogenase deficiency; Ataxia with lactic acidosis 1; PYRUVATE DECARBOXYLASE DEFICIENCY; PDH DEFICIENCY; Pyruvate Dehydrogenase Complex Deficiency Disease. Identifiers: Orphanet 765, Orphanet 79243, MedGen C0034345, MONDO:0019169.

Allele frequency attached by ClinVar (database versions not stated): 1000 Genomes Project 30x 0.00016; ESP Exome Variant Server 0.00023; gnomAD exomes 0.00009; ExAC 0.00012; gnomAD 0.00046 and 0.00050; TOPMed 0.00043; 1000 Genomes Project 0.00020.
gnomAD v4.1: 122 of 1,610,208 alleles (0.0076%); highest among the groups gnomAD compares: African/African-American, 0.14%; no homozygotes.

Submissions (4):

GeneDx
Classification: Uncertain significance. Last evaluated: 2026-07-30. Review status: criteria provided, single submitter. Criteria: GeneDx Variant Classification Process June 2021. Collection method: clinical testing. Allele origin: germline.
Comment: In silico analysis suggests that this missense variant does not alter protein structure/function; Has not been previously published as pathogenic or benign to our knowledge

Labcorp Genetics (formerly Invitae), Labcorp
Classification: Uncertain significance for Pyruvate dehydrogenase E1-beta deficiency. Last evaluated: 2022-10-24. Review status: criteria provided, single submitter. Criteria: Invitae Variant Classification Sherloc (09022015). Collection method: clinical testing. Allele origin: germline.
Comment: This sequence change replaces isoleucine, which is neutral and non-polar, with methionine, which is neutral and non-polar, at codon 343 of the PDHB protein (p.Ile343Met). This variant is present in population databases (rs149830613, gnomAD 0.2%). This variant has not been reported in the literature in individuals affected with PDHB-related conditions. ClinVar contains an entry for this variant (Variation ID: 970499). Advanced modeling of protein sequence and biophysical properties (such as structural, functional, and spatial information, amino acid conservation, physicochemical variation, residue mobility, and thermodynamic stability) performed at Invitae indicates that this missense variant is not expected to disrupt PDHB protein function. In summary, the available evidence is currently insufficient to determine the role of this variant in disease. Therefore, it has been classified as a Variant of Uncertain Significance.

Ambry Genetics
Classification: Uncertain significance for Inborn genetic diseases. Last evaluated: 2021-09-16. Review status: criteria provided, single submitter. Criteria: Ambry Variant Classification Scheme 2023. Collection method: clinical testing. Allele origin: germline.

Natera, Inc.
Classification: Uncertain significance for Pyruvate decarboxylase deficiency. Last evaluated: 2020-08-18. Review status: no assertion criteria provided. Collection method: clinical testing. Allele origin: germline. Not counted in ClinVar's aggregate classification.

NM_000925.4(PDHB):c.1029A>G (p.Ile343Met)

Gene: PDHB (pyruvate dehydrogenase E1 subunit beta; minus strand). Cytogenetic location: 3p14.3.
Variant type: single nucleotide variant.
Coding change: c.1029A>G on transcript NM_000925.4 (MANE Select); coding-DNA position 1029, A replaced by G.
Protein change: p.Ile343Met; replaces isoleucine 343 with methionine.
Molecular consequence: missense variant. On other transcripts: non-coding transcript variant (1).
Genome position (GRCh38, 1-based): chr3:58,428,085, T>C on the plus strand (A>G on the coding strand, the complement: PDHB is on the minus strand). VCF-style: chr3-58428085-T-C. GRCh37 (hg19) VCF-style: chr3-58413812-T-C.
Other names: c.975A>G, p.Ile325Met (NM_001173468.2, NM_001315536.2); short protein forms I343M, I325M.
Identifiers: ClinVar variation 970499 (VCV000970499.7), dbSNP rs149830613, ClinGen allele CA2471376.
Genomic context (GRCh38, chr3:58,428,085, plus strand): 5'-AAGTCCAAACTAAATATTTAATGTTTTCTTTATTGCAAATATGATGTCTTTGACCTGAGG[T>C]ATAGAGTTGTCCTCTAGAATCTTTGCATAAGGCATAGGGACATCAGCACCAGTGACACGA-3'
Protein context (NP_000916.2, residues 333-353): PYAKILEDNS[Ile343Met]PQVKDIIFAI